The following is an entry in ClinVar:

ClinVar aggregate classification (germline): Uncertain significance. Review status: criteria provided, multiple submitters, no conflicts (2 of 4 stars). 2 submissions from 2 submitters: Uncertain significance (2). Last evaluated 2026-01-19.

Conditions:
Neurodevelopmental disorder with dysmorphic facies and distal limb anomalies. Identifiers: Orphanet 686482, MedGen C4540327, MONDO:0060596, OMIM 617755.

Submissions (2):

Labcorp Genetics (formerly Invitae), Labcorp
Classification: Uncertain significance. Last evaluated: 2026-01-19. Review status: criteria provided, single submitter. Criteria: Invitae Variant Classification Sherloc (09022015). Collection method: clinical testing. Allele origin: germline.
Comment: This sequence change replaces glutamic acid, which is acidic and polar, with glycine, which is neutral and non-polar, at codon 1366 of the BPTF protein (p.Glu1366Gly). This variant is not present in population databases (gnomAD no frequency). This variant has not been reported in the literature in individuals affected with BPTF-related conditions. ClinVar contains an entry for this variant (Variation ID: 2097871). An algorithm developed to predict the effect of missense changes on protein structure and function (PolyPhen-2) suggests that this variant is likely to be tolerated. In summary, the available evidence is currently insufficient to determine the role of this variant in disease. Therefore, it has been classified as a Variant of Uncertain Significance.

Laboratorio de Genetica e Diagnostico Molecular, Hospital Israelita Albert Einstein
Classification: Uncertain significance for Neurodevelopmental disorder with dysmorphic facies and distal limb anomalies. Last evaluated: 2024-07-08. Review status: criteria provided, single submitter. Criteria: ACMG Guidelines, 2015. Collection method: clinical testing. Allele origin: germline. Affected: yes.
Comment: ACMG classification criteria: PM2 supporting, PP2 supporting, BP4 supporting

NM_182641.4(BPTF):c.3719A>G (p.Glu1240Gly)

Gene: BPTF (bromodomain PHD finger transcription factor; plus strand). Cytogenetic location: 17q24.2.
Variant type: single nucleotide variant.
Coding change: c.3719A>G on transcript NM_182641.4 (MANE Select); coding-DNA position 3719, A replaced by G.
Protein change: p.Glu1240Gly; replaces glutamic acid 1240 with glycine.
Molecular consequence: missense variant.
Genome position (GRCh38, 1-based): chr17:67,911,603, A>G. VCF-style: chr17-67911603-A-G. GRCh37 (hg19) VCF-style: chr17-65907719-A-G.
Other names: c.4097A>G, p.Glu1366Gly (NM_004459.7); short protein forms E1366G, E1240G.
Identifiers: ClinVar variation 2097871 (VCV002097871.5), dbSNP rs112641140, ClinGen allele CA293262977.
Genomic context (GRCh38, chr17:67,911,603, plus strand): 5'-TAGCCAGTGCAGATGATATTGGTACTTTGATCTGTAAGAACAAAAAACCGCTCATACAGG[A>G]GGAAAGTGACACCATTGTTTCTTCTTCCAAGAGTGCTTTACATTCATCAGTGCCTAAAAG-3'
Protein context (NP_872579.2, residues 1230-1250): ICKNKKPLIQ[Glu1240Gly]ESDTIVSSSK